The following is an entry in ClinVar:

ClinVar aggregate classification (germline): Pathogenic (1 of 4 stars; one submission).

Allele frequency attached by ClinVar (database versions not stated): TOPMed 0.00001.
gnomAD v4.1: 1 of 1,614,162 alleles (0.000062%); highest among the groups gnomAD compares: Non-Finnish European, 0.000085%; no homozygotes.

Submission:

Labcorp Genetics (formerly Invitae), Labcorp
Classification: Pathogenic. Last evaluated: 2022-12-30. Review status: criteria provided, single submitter. Criteria: Invitae Variant Classification Sherloc (09022015). Collection method: clinical testing. Allele origin: germline.
Comment: This sequence change creates a premature translational stop signal (p.Glu1973*) in the FREM2 gene. It is expected to result in an absent or disrupted protein product. Loss-of-function variants in FREM2 are known to be pathogenic (PMID: 18203166, 26552811). This variant is not present in population databases (gnomAD no frequency). This variant has not been reported in the literature in individuals affected with FREM2-related conditions. For these reasons, this variant has been classified as Pathogenic.

Literature cited by the submitters: PubMed 18203166; PubMed 26552811.

NM_207361.6(FREM2):c.5917G>T (p.Glu1973Ter)

Gene: FREM2 (FRAS1 related extracellular matrix 2; plus strand). Cytogenetic location: 13q13.3.
Variant type: single nucleotide variant.
Coding change: c.5917G>T on transcript NM_207361.6 (MANE Select); coding-DNA position 5917, G replaced by T.
Protein change: p.Glu1973Ter; replaces glutamic acid 1973 with a stop codon.
Molecular consequence: nonsense.
Genome position (GRCh38, 1-based): chr13:38,784,706, G>T. VCF-style: chr13-38784706-G-T. GRCh37 (hg19) VCF-style: chr13-39358843-G-T.
Other names: short protein forms E1973*.
Identifiers: ClinVar variation 2778637 (VCV002778637.3), dbSNP rs747561441, ClinGen allele CA387886289.